The following is an entry in ClinVar:

ClinVar aggregate classification (germline): Uncertain significance (1 of 4 stars; one submission).

Conditions:
Duchenne muscular dystrophy (DMD). Also called: MUSCULAR DYSTROPHY, PSEUDOHYPERTROPHIC PROGRESSIVE, DUCHENNE TYPE; Duchenne Muscular Dystrophy (DMD). Identifiers: Orphanet 98896, MedGen C0013264, MONDO:0010679, OMIM 310200.

gnomAD v4.1: 6 of 1,210,498 alleles (0.0005%); highest among the groups gnomAD compares: East Asian, 0.018%; no homozygotes.

Submission:

Labcorp Genetics (formerly Invitae), Labcorp
Classification: Uncertain significance for Duchenne muscular dystrophy. Last evaluated: 2025-01-10. Review status: criteria provided, single submitter. Criteria: Invitae Variant Classification Sherloc (09022015). Collection method: clinical testing. Allele origin: germline.
Comment: This sequence change replaces threonine, which is neutral and polar, with isoleucine, which is neutral and non-polar, at codon 960 of the DMD protein (p.Thr960Ile). This variant is present in population databases (no rsID available, gnomAD 0.008%). This variant has not been reported in the literature in individuals affected with DMD-related conditions. Invitae Evidence Modeling of protein sequence and biophysical properties (such as structural, functional, and spatial information, amino acid conservation, physicochemical variation, residue mobility, and thermodynamic stability) indicates that this missense variant is not expected to disrupt DMD protein function with a negative predictive value of 95%. In summary, the available evidence is currently insufficient to determine the role of this variant in disease. Therefore, it has been classified as a Variant of Uncertain Significance.

NM_004006.3(DMD):c.2879C>T (p.Thr960Ile)

Gene: DMD (dystrophin; minus strand). Cytogenetic location: Xp21.1.
Variant type: single nucleotide variant.
Coding change: c.2879C>T on transcript NM_004006.3 (MANE Select); coding-DNA position 2879, C replaced by T.
Protein change: p.Thr960Ile; replaces threonine 960 with isoleucine.
Molecular consequence: missense variant.
Genome position (GRCh38, 1-based): chrX:32,472,234, G>A on the plus strand (C>T on the coding strand, the complement: DMD is on the minus strand). VCF-style: chrX-32472234-G-A. GRCh37 (hg19) VCF-style: chrX-32490351-G-A.
Other names: c.2855C>T, p.Thr952Ile (NM_000109.4); c.2867C>T, p.Thr956Ile (NM_004009.3); c.2510C>T, p.Thr837Ile (NM_004010.3); short protein forms T837I, T952I, T956I, T960I.
Identifiers: ClinVar variation 3703354 (VCV003703354.2).